The following is an entry in ClinVar:

NM_000179.3(MSH6):c.2097G>T (p.Glu699Asp)

Gene: MSH6 (mutS homolog 6; plus strand). Cytogenetic location: 2p16.3.
Variant type: single nucleotide variant.
Coding change: c.2097G>T on transcript NM_000179.3 (MANE Select); coding-DNA position 2097, G replaced by T.
Protein change: p.Glu699Asp; replaces glutamic acid 699 with aspartic acid.
Molecular consequence: missense variant.
Genome position (GRCh38, 1-based): chr2:47,800,080, G>T. VCF-style: chr2-47800080-G-T. GRCh37 (hg19) VCF-style: chr2-48027219-G-T.
Other names: c.1707G>T, p.Glu569Asp (NM_001281492.2); c.1191G>T, p.Glu397Asp (NM_001281493.2, NM_001281494.2, NM_001406811.1 and 6 more transcripts); c.2193G>T, p.Glu731Asp (NM_001406795.1, NM_001406802.1); c.2097G>T, p.Glu699Asp (NM_001406796.1, NM_001406798.1, NM_001406800.1 and 3 more transcripts); c.1800G>T, p.Glu600Asp (NM_001406797.1, NM_001406801.1, NM_001406805.1 and 10 more transcripts); c.1572G>T, p.Glu524Asp (NM_001406799.1, NM_001406806.1, NM_001406807.1); c.2019G>T, p.Glu673Asp (NM_001406804.1); c.2103G>T, p.Glu701Asp (NM_001406813.1); and 1 more; short protein forms E600D, E643D, E699D, E524D, E569D, E397D, E673D, E701D.
Identifiers: ClinVar variation 1785817 (VCV001785817.2), dbSNP rs1424749498, ClinGen allele CA346750888.

ClinVar aggregate classification (germline): Uncertain significance (1 of 4 stars; one submission).

Conditions:
Hereditary cancer-predisposing syndrome. Also called: Neoplastic Syndromes, Hereditary; Tumor predisposition; Hereditary Cancer Syndrome; Hereditary neoplastic syndrome. Identifiers: Orphanet 140162, MedGen C0027672, MeSH D009386, MONDO:0015356.

gnomAD v4.1: 1 of 1,614,148 alleles (0.000062%); highest among the groups gnomAD compares: South Asian, 0.0011%; no homozygotes.

Submission:

Ambry Genetics
Classification: Uncertain significance for Hereditary cancer-predisposing syndrome. Last evaluated: 2021-09-28. Review status: criteria provided, single submitter. Criteria: Ambry Variant Classification Scheme 2023. Collection method: clinical testing. Allele origin: germline.
Comment: The p.E699D variant (also known as c.2097G>T), located in coding exon 4 of the MSH6 gene, results from a G to T substitution at nucleotide position 2097. The glutamic acid at codon 699 is replaced by aspartic acid, an amino acid with highly similar properties. This amino acid position is highly conserved in available vertebrate species. In addition, the in silico prediction for this alteration is inconclusive. Since supporting evidence is limited at this time, the clinical significance of this alteration remains unclear.